The following is an entry in ClinVar:

ClinVar aggregate classification (germline): Uncertain significance (1 of 4 stars; one submission).

Conditions:
Inborn genetic diseases. Identifiers: MedGen C0950123, MeSH D030342.

gnomAD v4.1: 2 of 1,551,980 alleles (0.00013%); highest among the groups gnomAD compares: East Asian, 0.0024%; no homozygotes.

Submission:

Ambry Genetics
Classification: Uncertain significance for Inborn genetic diseases. Last evaluated: 2023-05-18. Review status: criteria provided, single submitter. Criteria: Ambry Variant Classification Scheme 2023. Collection method: clinical testing. Allele origin: germline.
Comment: The p.L333P variant (also known as c.998T>C), located in coding exon 11 of the ERCC2 gene, results from a T to C substitution at nucleotide position 998. The leucine at codon 333 is replaced by proline, an amino acid with similar properties. This amino acid position is conserved. In addition, this alteration is predicted to be deleterious by in silico analysis. Since supporting evidence is limited at this time, the clinical significance of this alteration remains unclear.

NM_000400.4(ERCC2):c.998T>C (p.Leu333Pro)

Gene: ERCC2 (ERCC excision repair 2, TFIIH core complex helicase subunit; minus strand). Cytogenetic location: 19q13.32.
Variant type: single nucleotide variant.
Coding change: c.998T>C on transcript NM_000400.4 (MANE Select); coding-DNA position 998, T replaced by C.
Protein change: p.Leu333Pro; replaces leucine 333 with proline.
Molecular consequence: missense variant.
Genome position (GRCh38, 1-based): chr19:45,363,863, A>G on the plus strand (T>C on the coding strand, the complement: ERCC2 is on the minus strand). VCF-style: chr19-45363863-A-G. GRCh37 (hg19) VCF-style: chr19-45867121-A-G.
Other names: c.926T>C, p.Leu309Pro (NM_001130867.2); short protein forms L333P, L309P.
Identifiers: ClinVar variation 2561083 (VCV002561083.2), dbSNP rs2123286134, ClinGen allele CA406372905.